The following is an entry in ClinVar:

NM_000540.3(RYR1):c.13660-10T>C

Gene: RYR1 (ryanodine receptor 1; plus strand). Cytogenetic location: 19q13.2.
Variant type: single nucleotide variant.
Coding change: c.13660-10T>C on transcript NM_000540.3 (MANE Select); 10 bases into the intron before coding-DNA position 13660, T replaced by C.
Molecular consequence: intron variant.
Genome position (GRCh38, 1-based): chr19:38,570,597, T>C. VCF-style: chr19-38570597-T-C. GRCh37 (hg19) VCF-style: chr19-39061237-T-C.
Other names: c.13645-10T>C (NM_001042723.2).
Identifiers: ClinVar variation 256430 (VCV000256430.15), dbSNP rs188836987, ClinGen allele CA060333.

ClinVar aggregate classification (germline): Benign/Likely benign. Review status: criteria provided, multiple submitters, no conflicts (2 of 4 stars). 6 submissions from 6 submitters: Benign (1); Likely benign (5). Last evaluated 2026-01-13.

Conditions:
RYR1-related disorder. Also called: RYR1-related condition; RYR1-related disorders. Identifiers: MedGen CN239331.
Malignant hyperthermia, susceptibility to, 1 (MHS1). Also called: RYR1-Related Malignant Hyperthermia Susceptibility; Anesthesia related hyperthermia; Malignant hyperpyrexia; Fulminating hyperpyrexia; Pharmacogenic myopathy; Malignant hyperthermia suceptibility 1. Identifiers: Orphanet 423, MedGen C2930980, MONDO:0007783, OMIM 145600.

Allele frequency attached by ClinVar (database versions not stated): gnomAD exomes 0.00007 and 0.00037; gnomAD 0.00012 and 0.00016; TOPMed 0.00015; ExAC 0.00031; 1000 Genomes Project 30x 0.00109; 1000 Genomes Project 0.00120.
gnomAD v4.1: 130 of 1,610,456 alleles (0.0081%); highest among the groups gnomAD compares: East Asian, 0.27%; no homozygotes.

Submissions (6):

Labcorp Genetics (formerly Invitae), Labcorp
Classification: Benign for RYR1-related disorder. Last evaluated: 2026-01-13. Review status: criteria provided, single submitter. Criteria: Invitae Variant Classification Sherloc (09022015). Collection method: clinical testing. Allele origin: germline.

Blueprint Genetics
Classification: Likely benign. Last evaluated: 2024-02-28. Review status: criteria provided, single submitter. Criteria: ACMG Guidelines, 2015. Collection method: clinical testing. Allele origin: germline.

All of Us Research Program, National Institutes of Health
Classification: Likely benign for Malignant hyperthermia, susceptibility to, 1. Last evaluated: 2023-12-18. Review status: criteria provided, single submitter. Criteria: ACMG Guidelines, 2015. Collection method: clinical testing. Allele origin: germline. Inheritance: Autosomal dominant inheritance. Observed: 19 variant alleles, 19 heterozygotes.
Comment: This study involves interpretation of variants in research participants for the purpose of population health screening. Participant phenotype was not available at the time of variant classification. Additional details can be found in publication PMID: 35346344, PMCID: PMC8962531

Color Diagnostics, LLC DBA Color Health
Classification: Likely benign for Malignant hyperthermia, susceptibility to, 1. Last evaluated: 2022-11-06. Review status: criteria provided, single submitter. Criteria: ACMG Guidelines, 2015. Collection method: clinical testing. Allele origin: germline.

GeneDx
Classification: Likely benign. Last evaluated: 2017-06-13. Review status: criteria provided, single submitter. Criteria: GeneDx Variant Classification (06012015). Collection method: clinical testing. Allele origin: germline. Affected: yes.
Comment: This variant is considered likely benign or benign based on one or more of the following criteria: it is a conservative change, it occurs at a poorly conserved position in the protein, it is predicted to be benign by multiple in silico algorithms, and/or has population frequency not consistent with disease.

PreventionGenetics, part of Exact Sciences
Classification: Likely benign. Review status: criteria provided, single submitter. Criteria: ACMG Guidelines, 2015. Collection method: clinical testing. Allele origin: germline.